The following is an entry in ClinVar:

ClinVar aggregate classification (germline): Uncertain significance (0 of 4 stars; one submission).

Conditions:
NR5A1-related disorder. Also called: NR5A1-related condition.

Submission:

PreventionGenetics, part of Exact Sciences
Classification: Uncertain significance for NR5A1-related condition. Last evaluated: 2024-04-19. Review status: no assertion criteria provided. Collection method: clinical testing. Allele origin: germline.
Comment: The NR5A1 c.1310T>C variant is predicted to result in the amino acid substitution p.Leu437Pro. To our knowledge, this variant has not been reported in the literature or in a large population database, indicating this variant is rare. However, another missense variant, c.1310T>A (p.Leu437Gln), at the same residue has been found in the heterozygous state in two individuals with disorders of sex development (DSD) (Lin et al. 2007. PubMed ID: 17200175; Sreenivasan et al. 2018. PubMed ID: 30067310). At this time, the clinical significance of this variant is uncertain due to the absence of conclusive functional and genetic evidence.

NM_004959.5(NR5A1):c.1310T>C (p.Leu437Pro)

Gene: NR5A1 (nuclear receptor subfamily 5 group A member 1; minus strand). Cytogenetic location: 9q33.3.
Variant type: single nucleotide variant.
Coding change: c.1310T>C on transcript NM_004959.5 (MANE Select); coding-DNA position 1310, T replaced by C.
Protein change: p.Leu437Pro; replaces leucine 437 with proline.
Molecular consequence: missense variant.
Genome position (GRCh38, 1-based): chr9:124,482,834, A>G on the plus strand (T>C on the coding strand, the complement: NR5A1 is on the minus strand). VCF-style: chr9-124482834-A-G. GRCh37 (hg19) VCF-style: chr9-127245113-A-G.
Other names: short protein forms L437P.
Identifiers: ClinVar variation 3349422 (VCV003349422.1).